The following is an entry in ClinVar:

ClinVar aggregate classification (germline): Uncertain significance (1 of 4 stars; one submission).

gnomAD v4.1: 9 of 1,179,000 alleles (0.00076%); highest among the groups gnomAD compares: African/African-American, 0.0032%; no homozygotes.

Submission:

Ambry Genetics
Classification: Uncertain significance. Last evaluated: 2025-02-04. Review status: criteria provided, single submitter. Criteria: Ambry Variant Classification Scheme 2023. Collection method: clinical testing. Allele origin: germline.
Comment: The p.P98S variant (also known as c.292C>T), located in coding exon 1 of the WNK2 gene, results from a C to T substitution at nucleotide position 292. The proline at codon 98 is replaced by serine, an amino acid with similar properties. This amino acid position is conserved. In addition, this alteration is predicted to be tolerated by in silico analysis. Based on the available evidence, the clinical significance of this variant remains unclear.

NM_006648.4(WNK2):c.292C>T (p.Pro98Ser)

Gene: WNK2 (WNK lysine deficient protein kinase 2; plus strand). Cytogenetic location: 9q22.31.
Variant type: single nucleotide variant.
Coding change: c.292C>T on transcript NM_006648.4 (MANE Select); coding-DNA position 292, C replaced by T.
Protein change: p.Pro98Ser; replaces proline 98 with serine.
Molecular consequence: missense variant.
Genome position (GRCh38, 1-based): chr9:93,185,221, C>T. VCF-style: chr9-93185221-C-T. GRCh37 (hg19) VCF-style: chr9-95947503-C-T.
Other names: c.292C>T, p.Pro98Ser (NM_001282394.3); short protein forms P98S.
Identifiers: ClinVar variation 3816995 (VCV003816995.1).